The following is an entry in ClinVar:

NM_005733.3(KIF20A):c.1178G>C (p.Gly393Ala)

Gene: KIF20A (kinesin family member 20A; plus strand). Cytogenetic location: 5q31.2.
Variant type: single nucleotide variant.
Coding change: c.1178G>C on transcript NM_005733.3 (MANE Select); coding-DNA position 1178, G replaced by C.
Protein change: p.Gly393Ala; replaces glycine 393 with alanine.
Molecular consequence: missense variant.
Genome position (GRCh38, 1-based): chr5:138,183,726, G>C. VCF-style: chr5-138183726-G-C. GRCh37 (hg19) VCF-style: chr5-137519415-G-C.
Other names: short protein forms G393A.
Identifiers: ClinVar variation 2032874 (VCV002032874.4), dbSNP rs2482183143, ClinGen allele CA361115318.
Genomic context (GRCh38, chr5:138,183,726, plus strand): 5'-TTTTGTTTTTCTTAACTTCCAGTCACAGCATCTTCTCAATCAGGATCCTACACCTTCAGG[G>C]GGAAGGAGATATAGTCCCCAAGATCAGCGAGTAAGTTTATCCATTTAGAAATTTGGGCTT-3'
Protein context (NP_005724.1, residues 383-403): IFSIRILHLQ[Gly393Ala]EGDIVPKISE

ClinVar aggregate classification (germline): Uncertain significance (1 of 4 stars; one submission).

Submission:

Labcorp Genetics (formerly Invitae), Labcorp
Classification: Uncertain significance. Last evaluated: 2022-09-27. Review status: criteria provided, single submitter. Criteria: Invitae Variant Classification Sherloc (09022015). Collection method: clinical testing. Allele origin: germline.
Comment: This variant is not present in population databases (gnomAD no frequency). In summary, the available evidence is currently insufficient to determine the role of this variant in disease. Therefore, it has been classified as a Variant of Uncertain Significance. Algorithms developed to predict the effect of missense changes on protein structure and function (SIFT, PolyPhen-2, Align-GVGD) all suggest that this variant is likely to be disruptive. This variant has not been reported in the literature in individuals affected with KIF20A-related conditions. This sequence change replaces glycine, which is neutral and non-polar, with alanine, which is neutral and non-polar, at codon 393 of the KIF20A protein (p.Gly393Ala).